The following is an entry in ClinVar:

ClinVar aggregate classification (germline): Pathogenic (1 of 4 stars; one submission).

Submission:

Ambry Genetics
Classification: Pathogenic. Last evaluated: 2024-05-20. Review status: criteria provided, single submitter. Criteria: Ambry Variant Classification Scheme 2023. Collection method: clinical testing. Allele origin: germline.
Comment: The c.944_945delTC (p.L315Qfs*10) alteration, located in exon 8 (coding exon 8) of the GIGYF1 gene, consists of a deletion of 2 nucleotides from position 944 to 945, causing a translational frameshift with a predicted alternate stop codon after 10 amino acids. This alteration is expected to result in loss of function by premature protein truncation or nonsense-mediated mRNA decay. This variant was not reported in population-based cohorts in the Genome Aggregation Database (gnomAD). This variant was reported in an individual with features consistent with GIGYF1-related neurodevelopmental disorder (Chen, 2022). Based on the available evidence, this alteration is classified as pathogenic.

Literature cited by the submitters: PubMed 35917186.

NM_001375765.1(GIGYF1):c.944_945del (p.Leu315fs)

Gene: GIGYF1 (GRB10 interacting GYF protein 1; minus strand). Cytogenetic location: 7q22.1.
Variant type: Microsatellite.
Coding change: c.944_945del on transcript NM_001375765.1 (MANE Select); coding-DNA positions 944 to 945, 2 bases deleted (TC; older notation c.944_945delTC).
Protein change: p.Leu315fs; shifts the reading frame from leucine 315.
Molecular consequence: frameshift variant. On other transcripts: non-coding transcript variant (1).
Genome position (GRCh38, 1-based): chr7:100,686,183-100,686,184, GA deleted on the plus strand (TC on the coding strand, the reverse complement: GIGYF1 is on the minus strand); deleting any 2 consecutive bases within chr7:100,686,183-100,686,187 gives the same sequence; the c. name uses the placement nearest the transcript's 3' end. VCF-style (leftmost placement, unchanged base first): chr7-100686182-TGA-T. GRCh37 (hg19) VCF-style: chr7-100283805-TGA-T.
Other names: NM_022574.4:c.944_945delTC; c.944_945del, p.Leu315fs (NM_001375759.1, NM_001375760.1, NM_001375761.1 and 6 more transcripts); short protein forms L315fs.
Identifiers: ClinVar variation 3281366 (VCV003281366.1).